The following is an entry in ClinVar:

ClinVar aggregate classification (germline): Uncertain significance. Review status: criteria provided, multiple submitters, no conflicts (2 of 4 stars). 4 submissions from 4 submitters: Uncertain significance (4). Last evaluated 2026-01-22.

Conditions:
Autosomal recessive ataxia, Beauce type. Also called: SYNE1-Related Autosomal Recessive Cerebellar Ataxia; Spinocerebellar ataxia, autosomal recessive 8; ATAXIA, RECESSIVE, OF BEAUCE; SYNE1 Deficiency. Identifiers: Orphanet 88644, MedGen C1853116, MONDO:0012549, OMIM 610743.
Emery-Dreifuss muscular dystrophy 4, autosomal dominant (EDMD4). Also called: EMERY-DREIFUSS MUSCULAR DYSTROPHY 4 WITH VARIABLE FEATURES. Identifiers: Orphanet 261, MedGen C2751807, MONDO:0013071, OMIM 612998.
Inborn genetic diseases. Identifiers: MedGen C0950123, MeSH D030342.

Allele frequency attached by ClinVar (database versions not stated): ExAC 0.00002; gnomAD exomes 0.00002; TOPMed 0.00003; gnomAD 0.00004 and 0.00005.
gnomAD v4.1: 16 of 1,614,096 alleles (0.00099%); highest among the groups gnomAD compares: African/African-American, 0.012%; no homozygotes.

Submissions (4):

GeneDx
Classification: Uncertain significance. Last evaluated: 2026-01-22. Review status: criteria provided, single submitter. Criteria: GeneDx Variant Classification Process June 2021. Collection method: clinical testing. Allele origin: germline.
Comment: Reported in heterozgyous state in a patient with Emery-Dreifuss muscular dystrophy (PMID: 39548682); Not observed at significant frequency in large population cohorts (gnomAD); In silico analysis supports that this missense variant has a deleterious effect on protein structure/function; This variant is associated with the following publications: (PMID: 39548682)

Labcorp Genetics (formerly Invitae), Labcorp
Classification: Uncertain significance for Emery-Dreifuss muscular dystrophy 4, autosomal dominant; Autosomal recessive ataxia, Beauce type. Last evaluated: 2022-02-10. Review status: criteria provided, single submitter. Criteria: Invitae Variant Classification Sherloc (09022015). Collection method: clinical testing. Allele origin: germline.
Comment: ClinVar contains an entry for this variant (Variation ID: 968702). Algorithms developed to predict the effect of missense changes on protein structure and function are either unavailable or do not agree on the potential impact of this missense change (SIFT: "Deleterious"; PolyPhen-2: "Probably Damaging"; Align-GVGD: "Class C0"). In summary, the available evidence is currently insufficient to determine the role of this variant in disease. Therefore, it has been classified as a Variant of Uncertain Significance. This variant has not been reported in the literature in individuals affected with SYNE1-related conditions. This sequence change replaces histidine, which is basic and polar, with arginine, which is basic and polar, at codon 8588 of the SYNE1 protein (p.His8588Arg). This variant is present in population databases (rs759004104, gnomAD 0.01%).

Ambry Genetics
Classification: Uncertain significance for Inborn genetic diseases. Last evaluated: 2021-08-10. Review status: criteria provided, single submitter. Criteria: Ambry Variant Classification Scheme 2023. Collection method: clinical testing. Allele origin: germline.

Revvity Omics, Revvity
Classification: Uncertain significance. Last evaluated: 2019-07-08. Review status: criteria provided, single submitter. Criteria: ACMG Guidelines, 2015. Collection method: clinical testing. Allele origin: germline.

NM_182961.4(SYNE1):c.25907A>G (p.His8636Arg)

Gene: SYNE1 (spectrin repeat containing nuclear envelope protein 1; minus strand). Cytogenetic location: 6q25.2.
Variant type: single nucleotide variant.
Coding change: c.25907A>G on transcript NM_182961.4 (MANE Select); coding-DNA position 25907, A replaced by G.
Protein change: p.His8636Arg; replaces histidine 8636 with arginine.
Molecular consequence: missense variant.
Genome position (GRCh38, 1-based): chr6:152,133,370, T>C on the plus strand (A>G on the coding strand, the complement: SYNE1 is on the minus strand). VCF-style: chr6-152133370-T-C. GRCh37 (hg19) VCF-style: chr6-152454505-T-C.
Other names: c.2513A>G, p.His838Arg (NM_001347701.2); c.2441A>G, p.His814Arg (NM_001347702.2); c.25763A>G, p.His8588Arg (NM_033071.5); short protein forms H814R, H838R, H8588R, H8636R.
Identifiers: ClinVar variation 968702 (VCV000968702.12), dbSNP rs759004104, ClinGen allele CA4052717.